The following is an entry in ClinVar:

NM_138420.4(AHNAK2):c.6628G>A (p.Val2210Met)

Gene: AHNAK2 (AHNAK nucleoprotein 2; minus strand). Cytogenetic location: 14q32.33.
Variant type: single nucleotide variant.
Coding change: c.6628G>A on transcript NM_138420.4 (MANE Select); coding-DNA position 6628, G replaced by A.
Protein change: p.Val2210Met; replaces valine 2210 with methionine.
Molecular consequence: missense variant.
Genome position (GRCh38, 1-based): chr14:104,948,823, C>T on the plus strand (G>A on the coding strand, the complement: AHNAK2 is on the minus strand). VCF-style: chr14-104948823-C-T. GRCh37 (hg19) VCF-style: chr14-105415160-C-T.
Other names: c.6328G>A, p.Val2110Met (NM_001350929.2); short protein forms V2110M, V2210M.
Identifiers: ClinVar variation 2644736 (VCV002644736.24), dbSNP rs201874096, ClinGen allele CA7381018.

ClinVar aggregate classification (germline): Benign (1 of 4 stars; one submission).

Allele frequency attached by ClinVar (database versions not stated): gnomAD 0.00010; gnomAD exomes 0.00011; 1000 Genomes Project 0.00040.
gnomAD v4.1: 186 of 1,588,782 alleles (0.012%); highest among the groups gnomAD compares: South Asian, 0.16%; 1 homozygote.

Submission:

CeGaT Center for Human Genetics Tuebingen
Classification: Benign. Last evaluated: 2022-04-01. Review status: criteria provided, single submitter. Criteria: CeGaT Center For Human Genetics Tuebingen Variant Classification Criteria Version 2. Collection method: clinical testing. Allele origin: germline. Affected: yes. Observed: 1 variant allele.
Comment: AHNAK2: BS1, BS2